The following is an entry in ClinVar:

ClinVar aggregate classification (germline): Uncertain significance (0 of 4 stars; one submission).

Conditions:
KANK2-related disorder. Also called: KANK2-related condition.

Allele frequency attached by ClinVar (database versions not stated): gnomAD 0.00001; gnomAD exomes 0.00001; TOPMed 0.00001; ExAC 0.00004; ESP Exome Variant Server 0.00008.
gnomAD v4.1: 11 of 1,612,344 alleles (0.00068%); highest among the groups gnomAD compares: South Asian, 0.0077%; no homozygotes.

Submission:

PreventionGenetics, part of Exact Sciences
Classification: Uncertain significance for KANK2-related condition. Last evaluated: 2024-02-26. Review status: no assertion criteria provided. Collection method: clinical testing. Allele origin: germline.
Comment: The KANK2 c.1948C>T variant is predicted to result in the amino acid substitution p.Arg650Trp. To our knowledge, this variant has not been reported in the literature. This variant is reported in 0.013% of alleles in individuals of South Asian descent in gnomAD. At this time, the clinical significance of this variant is uncertain due to the absence of conclusive functional and genetic evidence.

NM_001136191.3(KANK2):c.1924C>T (p.Arg642Trp)

Gene: KANK2 (KN motif and ankyrin repeat domains 2; minus strand). Cytogenetic location: 19p13.2.
Variant type: single nucleotide variant.
Coding change: c.1924C>T on transcript NM_001136191.3 (MANE Select); coding-DNA position 1924, C replaced by T.
Protein change: p.Arg642Trp; replaces arginine 642 with tryptophan.
Molecular consequence: missense variant.
Genome position (GRCh38, 1-based): chr19:11,174,617, G>A on the plus strand (C>T on the coding strand, the complement: KANK2 is on the minus strand). VCF-style: chr19-11174617-G-A. GRCh37 (hg19) VCF-style: chr19-11285293-G-A.
Other names: c.1924C>T, p.Arg642Trp (NM_001329451.2, NM_001379555.1, NM_001379556.1 and 7 more transcripts); c.1948C>T, p.Arg650Trp (NM_001379548.1, NM_001379549.1, NM_001379550.1 and 5 more transcripts); short protein forms R642W, R650W.
Identifiers: ClinVar variation 3050974 (VCV003050974.2), dbSNP rs141923748, ClinGen allele CA9205459.